The following is an entry in ClinVar:

ClinVar aggregate classification (germline): Uncertain significance (1 of 4 stars; one submission).

Submission:

GeneDx
Classification: Uncertain significance. Last evaluated: 2025-05-12. Review status: criteria provided, single submitter. Criteria: GeneDx Variant Classification Process June 2021. Collection method: clinical testing. Allele origin: germline. Affected: yes.
Comment: Not observed at significant frequency in large population cohorts (gnomAD); In silico analysis suggests that this variant does not alter splicing; Has not been previously published as pathogenic or benign to our knowledge

NM_001373.1:c.5469G>A

Gene: DNAH14 (dynein axonemal heavy chain 14; plus strand).
Variant type: single nucleotide variant.
Identifiers: ClinVar variation 4530875 (VCV004530875.1).